The following is an entry in ClinVar:

ClinVar aggregate classification (germline): Uncertain significance (1 of 4 stars; one submission).

Conditions:
Cranioectodermal dysplasia 1 (CED1). Also called: LEVIN SYNDROME I. Identifiers: Orphanet 1515, MedGen C0432235, MONDO:0021093, OMIM 218330.

Allele frequency attached by ClinVar (database versions not stated): gnomAD 0.00001; gnomAD exomes 0.00001; 1000 Genomes Project 30x 0.00016.
gnomAD v4.1: 10 of 1,613,220 alleles (0.00062%); highest among the groups gnomAD compares: East Asian, 0.0089%; no homozygotes.

Submission:

Labcorp Genetics (formerly Invitae), Labcorp
Classification: Uncertain significance for Cranioectodermal dysplasia 1. Last evaluated: 2022-03-11. Review status: criteria provided, single submitter. Criteria: Invitae Variant Classification Sherloc (09022015). Collection method: clinical testing. Allele origin: germline.
Comment: In summary, the available evidence is currently insufficient to determine the role of this variant in disease. Therefore, it has been classified as a Variant of Uncertain Significance. This sequence change replaces tyrosine, which is neutral and polar, with histidine, which is basic and polar, at codon 879 of the IFT122 protein (p.Tyr879His). This variant is present in population databases (no rsID available, gnomAD 0.02%). This variant has not been reported in the literature in individuals affected with IFT122-related conditions. Algorithms developed to predict the effect of missense changes on protein structure and function (SIFT, PolyPhen-2, Align-GVGD) all suggest that this variant is likely to be disruptive.

NM_052989.3(IFT122):c.2482T>C (p.Tyr828His)

Gene: IFT122 (intraflagellar transport 122; plus strand). Cytogenetic location: 3q22.1.
Variant type: single nucleotide variant.
Coding change: c.2482T>C on transcript NM_052989.3 (MANE Select); coding-DNA position 2482, T replaced by C.
Protein change: p.Tyr828His; replaces tyrosine 828 with histidine.
Molecular consequence: missense variant.
Genome position (GRCh38, 1-based): chr3:129,502,817, T>C. VCF-style: chr3-129502817-T-C. GRCh37 (hg19) VCF-style: chr3-129221660-T-C.
Other names: c.2458T>C, p.Tyr820His (NM_001280541.2); c.2032T>C, p.Tyr678His (NM_001280545.2); c.1855T>C, p.Tyr619His (NM_001280546.2); c.2305T>C, p.Tyr769His (NM_018262.4); c.2635T>C, p.Tyr879His (NM_052985.4); c.2149T>C, p.Tyr717His (NM_052990.3); short protein forms Y769H, Y820H, Y879H, Y619H, Y678H, Y828H, Y717H.
Identifiers: ClinVar variation 1396795 (VCV001396795.6), dbSNP rs1298243007, ClinGen allele CA354482916.
Genomic context (GRCh38, chr3:129,502,817, plus strand): 5'-CTGCTGCTGTGCGCTACCTACCTCAAGAAGCTGGACAGCCCTGGCTATGCTGCTGAGACC[T>C]ACCTGAAGATGGGTGACCTCAAGTCCCTGGTGCAGCTGCACGTGGAGACCCAGCGCTGGG-3'
Protein context (NP_443715.1, residues 818-838): LDSPGYAAET[Tyr828His]LKMGDLKSLV